The following is an entry in ClinVar:

NM_002742.3(PRKD1):c.2071C>T (p.Leu691Phe)

Gene: PRKD1 (protein kinase D1; minus strand). Cytogenetic location: 14q12.
Variant type: single nucleotide variant.
Coding change: c.2071C>T on transcript NM_002742.3 (MANE Select); coding-DNA position 2071, C replaced by T.
Protein change: p.Leu691Phe; replaces leucine 691 with phenylalanine.
Molecular consequence: missense variant.
Genome position (GRCh38, 1-based): chr14:29,599,122, G>A on the plus strand (C>T on the coding strand, the complement: PRKD1 is on the minus strand). VCF-style: chr14-29599122-G-A. GRCh37 (hg19) VCF-style: chr14-30068328-G-A.
Other names: c.2095C>T, p.Leu699Phe (NM_001330069.2); c.1807C>T, p.Leu603Phe (NM_001348390.1); short protein forms L603F, L691F, L699F.
Identifiers: ClinVar variation 3359652 (VCV003359652.1).

ClinVar aggregate classification (germline): Uncertain significance (1 of 4 stars; one submission).

Submission:

GeneDx
Classification: Uncertain significance. Last evaluated: 2023-06-07. Review status: criteria provided, single submitter. Criteria: GeneDx Variant Classification Process June 2021. Collection method: clinical testing. Allele origin: germline. Affected: yes.
Comment: Not observed at significant frequency in large population cohorts (gnomAD); In silico analysis supports that this missense variant has a deleterious effect on protein structure/function; Has not been previously published as pathogenic or benign to our knowledge